The following is an entry in ClinVar:

ClinVar aggregate classification (germline): Uncertain significance (1 of 4 stars; one submission).

Conditions:
Hereditary cancer-predisposing syndrome. Also called: Tumor predisposition; Hereditary neoplastic syndrome; Hereditary Cancer Syndrome; Neoplastic Syndromes, Hereditary. Identifiers: Orphanet 140162, MedGen C0027672, MeSH D009386, MONDO:0015356.

Submission:

Ambry Genetics
Classification: Uncertain significance for Hereditary cancer-predisposing syndrome. Last evaluated: 2023-09-15. Review status: criteria provided, single submitter. Criteria: Ambry Variant Classification Scheme 2023. Collection method: clinical testing. Allele origin: germline.
Comment: The c.2187_2192delTTTGCA variant (also known as p.H729_L730del) is located in coding exon 15 of the MSH3 gene. This variant results from an in-frame TTTGCA deletion at nucleotide positions 2187 to 2192. This results in the in-frame deletion of two residues (HL) at codons 729 to 730. This amino acid region is well conserved in available vertebrate species. In addition, this alteration is predicted to be deleterious by in silico analysis (Choi Y et al. PLoS ONE. 2012; 7(10):e46688). Since supporting evidence is limited at this time, the clinical significance of this alteration remains unclear.

NM_002439.5(MSH3):c.2187_2192del (p.His729_Leu730del)

Gene: MSH3 (mutS homolog 3; plus strand). Cytogenetic location: 5q14.1.
Variant type: Deletion.
Coding change: c.2187_2192del on transcript NM_002439.5 (MANE Select); coding-DNA positions 2187 to 2192, 6 bases deleted (TTTGCA; older notation c.2187_2192delTTTGCA).
Protein change: p.His729_Leu730del.
Molecular consequence: inframe deletion.
Genome position (GRCh38, 1-based): chr5:80,768,937-80,768,942, TTTGCA deleted; deleting any 6 consecutive bases within chr5:80,768,933-80,768,942 gives the same sequence; the c. name uses the placement nearest the transcript's 3' end. VCF-style (leftmost placement, unchanged base first): chr5-80768932-ATGCATT-A. GRCh37 (hg19) VCF-style: chr5-80064751-ATGCATT-A.
Identifiers: ClinVar variation 3222258 (VCV003222258.1), dbSNP rs2546774280, ClinGen allele CA2674444651.